The following is an entry in ClinVar:

ClinVar aggregate classification (germline): Uncertain significance (1 of 4 stars; one submission).

Conditions:
Hereditary cancer-predisposing syndrome. Also called: Hereditary Cancer Syndrome; Hereditary neoplastic syndrome; Neoplastic Syndromes, Hereditary; Tumor predisposition. Identifiers: Orphanet 140162, MedGen C0027672, MeSH D009386, MONDO:0015356.

Allele frequency attached by ClinVar (database versions not stated): ExAC 0.00001; TOPMed 0.00001.
gnomAD v4.1: 7 of 1,613,350 alleles (0.00043%); highest among the groups gnomAD compares: Admixed American, 0.01%; no homozygotes.

Submission:

Ambry Genetics
Classification: Uncertain significance for Hereditary cancer-predisposing syndrome. Last evaluated: 2022-06-23. Review status: criteria provided, single submitter. Criteria: Ambry Variant Classification Scheme 2023. Collection method: clinical testing. Allele origin: germline.
Comment: The p.G52A variant (also known as c.155G>C), located in coding exon 2 of the EPCAM gene, results from a G to C substitution at nucleotide position 155. The glycine at codon 52 is replaced by alanine, an amino acid with similar properties. This amino acid position is conserved. In addition, this alteration is predicted to be tolerated by in silico analysis. Since supporting evidence is limited at this time, the clinical significance of this alteration remains unclear.

NM_002354.3(EPCAM):c.155G>C (p.Gly52Ala)

Gene: EPCAM (epithelial cell adhesion molecule; plus strand). Cytogenetic location: 2p21.
Variant type: single nucleotide variant.
Coding change: c.155G>C on transcript NM_002354.3 (MANE Select); coding-DNA position 155, G replaced by C.
Protein change: p.Gly52Ala; replaces glycine 52 with alanine.
Molecular consequence: missense variant.
Genome position (GRCh38, 1-based): chr2:47,373,541, G>C. VCF-style: chr2-47373541-G-C. GRCh37 (hg19) VCF-style: chr2-47600680-G-C.
Other names: short protein forms G52A.
Identifiers: ClinVar variation 1775229 (VCV001775229.2), dbSNP rs770459165, ClinGen allele CA1648893.